The following is an entry in ClinVar:

NM_001042492.3(NF1):c.1283del (p.Lys428fs)

Gene: NF1 (neurofibromin 1; plus strand). Cytogenetic location: 17q11.2.
Variant type: Deletion.
Coding change: c.1283del on transcript NM_001042492.3 (MANE Select); coding-DNA position 1283, one base deleted (A; older notation c.1283delA).
Protein change: p.Lys428fs; shifts the reading frame from lysine 428.
Molecular consequence: frameshift variant.
Genome position (GRCh38, 1-based): chr17:31,206,262, A deleted; the last of 2 consecutive A bases (chr17:31,206,261-31,206,262); deleting either gives the same sequence. VCF-style (leftmost placement, unchanged base first): chr17-31206260-TA-T. GRCh37 (hg19) VCF-style: chr17-29533278-TA-T.
Other names: c.1283del, p.Lys428fs (NM_000267.4, NM_001128147.3); short protein forms K428fs.
Identifiers: ClinVar variation 5025575 (VCV005025575.1).
Genomic context (GRCh38, chr17:31,206,260, plus strand): 5'-TTTGTACTTTTTCTTCCTATTGGTCTTTGTTTTTCTCTAGTCCGCATTGGATTGGTGGCC[TA>T]AGATTGATGCTGTGTATTGTCACTCGGTTGAACTTCGAAATATGTTTGGTGAAACACTTC-3'

ClinVar aggregate classification (germline): Pathogenic (1 of 4 stars; one submission).

Conditions:
Cardiovascular phenotype. Identifiers: MedGen CN230736.
Hereditary cancer-predisposing syndrome. Also called: Neoplastic Syndromes, Hereditary; Tumor predisposition; Hereditary neoplastic syndrome; Hereditary Cancer Syndrome. Identifiers: Orphanet 140162, MedGen C0027672, MeSH D009386, MONDO:0015356.

Submission:

Ambry Genetics
Classification: Pathogenic for Cardiovascular phenotype; Hereditary cancer-predisposing syndrome. Last evaluated: 2026-07-22. Review status: criteria provided, single submitter. Criteria: Ambry Variant Classification Scheme 2023. Collection method: clinical testing. Allele origin: germline.
Comment: The c.1283delA pathogenic mutation, located in coding exon 12 of the NF1 gene, results from a deletion of one nucleotide at nucleotide position 1283, causing a translational frameshift with a predicted alternate stop codon (p.K428Rfs*45). This variant is considered to be rare based on population cohorts in the Genome Aggregation Database (gnomAD). This alteration is expected to result in loss of function by premature protein truncation or nonsense-mediated mRNA decay. As such, this alteration is interpreted as a disease-causing mutation.